The following is an entry in ClinVar:

NM_001366244.2(GOLGA2):c.1880T>A (p.Leu627Gln)

Gene: GOLGA2 (golgin A2; minus strand). Cytogenetic location: 9q34.11.
Variant type: single nucleotide variant.
Coding change: c.1880T>A on transcript NM_001366244.2 (MANE Select); coding-DNA position 1880, T replaced by A.
Protein change: p.Leu627Gln; replaces leucine 627 with glutamine.
Molecular consequence: missense variant.
Genome position (GRCh38, 1-based): chr9:128,259,384, A>T on the plus strand (T>A on the coding strand, the complement: GOLGA2 is on the minus strand). VCF-style: chr9-128259384-A-T. GRCh37 (hg19) VCF-style: chr9-131021663-A-T.
Other names: c.1799T>A, p.Leu600Gln (NM_001366246.2, NM_004486.6); c.1865T>A, p.Leu622Gln (NM_001389695.2); c.1862T>A, p.Leu621Gln (NM_001389696.2); c.1787T>A, p.Leu596Gln (NM_001389697.2); c.1781T>A, p.Leu594Gln (NM_001389698.2); c.1760T>A, p.Leu587Gln (NM_001389699.2, NM_001389700.2); c.1718T>A, p.Leu573Gln (NM_001389701.2); c.1694T>A, p.Leu565Gln (NM_001389702.2); and 3 more; short protein forms L469Q, L476Q, L560Q, L565Q, L573Q, L587Q, L594Q, L596Q.
Identifiers: ClinVar variation 4881508 (VCV004881508.2).

ClinVar aggregate classification (germline): Uncertain significance (1 of 4 stars; one submission).

Submission:

Dasa
Classification: Uncertain significance. Last evaluated: 2025-11-03. Review status: criteria provided, single submitter. Criteria: DASA Assertion Criteria. Collection method: clinical testing. Allele origin: germline.
Comment: NM_001366244.2(GOLGA2):c.1880T>A (p.Leu627Gln) is a missense variant that results in the substitution of leucine with glutamine. This variant is absent from population databases. Computational prediction algorithms are consistent with a benign effect. The currently available literature and clinical evidence are not sufficient to establish a definitive association between this variant and the reported condition. Therefore, this variant is classified as a variant of uncertain significance.